The following is an entry in ClinVar:

NM_033305.3(VPS13A):c.2917G>A (p.Val973Ile)

Gene: VPS13A (vacuolar protein sorting 13 homolog A; plus strand). Cytogenetic location: 9q21.2.
Variant type: single nucleotide variant.
Coding change: c.2917G>A on transcript NM_033305.3 (MANE Select); coding-DNA position 2917, G replaced by A.
Protein change: p.Val973Ile; replaces valine 973 with isoleucine.
Molecular consequence: missense variant.
Genome position (GRCh38, 1-based): chr9:77,281,879, G>A. VCF-style: chr9-77281879-G-A. GRCh37 (hg19) VCF-style: chr9-79896795-G-A.
Other names: c.2917G>A, p.Val973Ile (NM_001018037.2, NM_001018038.3, NM_015186.4); short protein forms V973I.
Identifiers: ClinVar variation 3685781 (VCV003685781.2).

ClinVar aggregate classification (germline): Uncertain significance (1 of 4 stars; one submission).

Submission:

Labcorp Genetics (formerly Invitae), Labcorp
Classification: Uncertain significance. Last evaluated: 2025-10-02. Review status: criteria provided, single submitter. Criteria: Invitae Variant Classification Sherloc (09022015). Collection method: clinical testing. Allele origin: germline.
Comment: This sequence change replaces valine, which is neutral and non-polar, with isoleucine, which is neutral and non-polar, at codon 973 of the VPS13A protein (p.Val973Ile). This variant is not present in population databases (gnomAD no frequency). This variant has not been reported in the literature in individuals affected with VPS13A-related conditions. ClinVar contains an entry for this variant (Variation ID: 3685781). An algorithm developed to predict the effect of missense changes on protein structure and function outputs the following: PolyPhen-2: "Benign". The isoleucine amino acid residue is found in multiple mammalian species, which suggests that this missense change does not adversely affect protein function. In summary, the available evidence is currently insufficient to determine the role of this variant in disease. Therefore, it has been classified as a Variant of Uncertain Significance.